The following is an entry in ClinVar:

ClinVar aggregate classification (germline): Uncertain significance (1 of 4 stars; one submission).

gnomAD v4.1: 8 of 1,614,100 alleles (0.0005%); highest among the groups gnomAD compares: Non-Finnish European, 0.00068%; no homozygotes.

Submission:

Labcorp Genetics (formerly Invitae), Labcorp
Classification: Uncertain significance. Last evaluated: 2024-06-07. Review status: criteria provided, single submitter. Criteria: Invitae Variant Classification Sherloc (09022015). Collection method: clinical testing. Allele origin: germline.
Comment: This sequence change falls in intron 6 of the FOXP1 gene. It does not directly change the encoded amino acid sequence of the FOXP1 protein. It affects a nucleotide within the consensus splice site. This variant is not present in population databases (gnomAD no frequency). This variant has not been reported in the literature in individuals affected with FOXP1-related conditions. Variants that disrupt the consensus splice site are a relatively common cause of aberrant splicing (PMID: 17576681, 9536098). Algorithms developed to predict the effect of sequence changes on RNA splicing suggest that this variant is not likely to affect RNA splicing. In summary, the available evidence is currently insufficient to determine the role of this variant in disease. Therefore, it has been classified as a Variant of Uncertain Significance.

Literature cited by the submitters: PubMed 17576681; PubMed 9536098.

NM_001349338.3(FOXP1):c.180+4C>G

Gene: FOXP1 (forkhead box P1; minus strand). Cytogenetic location: 3p13.
Variant type: single nucleotide variant.
Coding change: c.180+4C>G on transcript NM_001349338.3 (MANE Select); 4 bases into the intron after coding-DNA position 180, C replaced by G.
Molecular consequence: intron variant.
Genome position (GRCh38, 1-based): chr3:71,198,198, G>C on the plus strand (C>G on the coding strand, the complement: FOXP1 is on the minus strand). VCF-style: chr3-71198198-G-C. GRCh37 (hg19) VCF-style: chr3-71247349-G-C.
Other names: c.180+4C>G (NM_001244810.2, NM_032682.6, NM_001349340.3 and 6 more transcripts).
Identifiers: ClinVar variation 3697670 (VCV003697670.2).